The following is an entry in ClinVar:

ClinVar aggregate classification (germline): Likely benign (1 of 4 stars; one submission).

Conditions:
Growth delay due to insulin-like growth factor type 1 deficiency (IGF1D). Also called: GROWTH RETARDATION WITH SENSORINEURAL DEAFNESS AND MENTAL RETARDATION; IGF1 DEFICIENCY. Identifiers: Orphanet 73272, MedGen C1837475, MONDO:0012110, OMIM 608747.

Allele frequency attached by ClinVar (database versions not stated): gnomAD 0.00051; TOPMed 0.00063; 1000 Genomes Project 30x 0.00078; 1000 Genomes Project 0.00080.

Submission:

Illumina Laboratory Services, Illumina
Classification: Likely benign for Growth delay due to insulin-like growth factor type 1 deficiency. Last evaluated: 2018-01-13. Review status: criteria provided, single submitter. Criteria: ICSL Variant Classification Criteria 13 December 2019. Collection method: clinical testing. Allele origin: germline.
Comment: This variant was observed in the ICSL laboratory as part of a predisposition screen in an ostensibly healthy population. It had not been previously curated by ICSL or reported in the Human Gene Mutation Database (HGMD: prior to June 1st, 2018), and was therefore a candidate for classification through an automated scoring system. Utilizing variant allele frequency, disease prevalence and penetrance estimates, and inheritance mode, an automated score was calculated to assess if this variant is too frequent to cause the disease. Based on the score and internal cut-off values, a variant classified as likely benign is not then subjected to further curation. The score for this variant resulted in a classification of likely benign for this disease.

NM_000618.5(IGF1):c.*722G>T

Genes: IGF1 (insulin like growth factor 1; minus strand), LINC02456 (long intergenic non-protein coding RNA 2456; plus strand). Cytogenetic location: 12q23.2.
Variant type: single nucleotide variant.
Coding change: c.*722G>T on transcript NM_000618.5 (MANE Select); 722 bases downstream of the stop codon, G replaced by T.
Molecular consequence: 3 prime UTR variant.
Genome position (GRCh38, 1-based): chr12:102,401,785, C>A on the plus strand (G>T on the coding strand, the complement: IGF1 is on the minus strand). VCF-style: chr12-102401785-C-A. GRCh37 (hg19) VCF-style: chr12-102795563-C-A.
Other names: c.*756G>T (NM_001111283.3); c.*722G>T (NM_001111284.2).
Identifiers: ClinVar variation 306900 (VCV000306900.5), dbSNP rs546755830, ClinGen allele CA10631949.